The following is an entry in ClinVar:

NM_177438.3(DICER1):c.116A>C (p.Asp39Ala)

Gene: DICER1 (dicer 1, ribonuclease III; minus strand). Cytogenetic location: 14q32.13.
Variant type: single nucleotide variant.
Coding change: c.116A>C on transcript NM_177438.3 (MANE Select); coding-DNA position 116, A replaced by C.
Protein change: p.Asp39Ala; replaces aspartic acid 39 with alanine.
Molecular consequence: missense variant. On other transcripts: non-coding transcript variant (6), intron variant (1), 5 prime UTR variant (8).
Genome position (GRCh38, 1-based): chr14:95,133,343, T>G on the plus strand (A>C on the coding strand, the complement: DICER1 is on the minus strand). VCF-style: chr14-95133343-T-G. GRCh37 (hg19) VCF-style: chr14-95599680-T-G.
Other names: c.116A>C, p.Asp39Ala (NM_001395700.1, NM_030621.4, NM_001195573.1 and 15 more transcripts); c.-130-666A>C (NM_001395687.1); c.-159A>C (NM_001395686.1, NM_001395688.1, NM_001395689.1 and 3 more transcripts); c.-343A>C (NM_001395691.1); c.-1453A>C (NM_001395697.1); short protein forms D39A.
Identifiers: ClinVar variation 1739052 (VCV001739052.2), dbSNP rs748564911, ClinGen allele CA390890437.

ClinVar aggregate classification (germline): Uncertain significance (1 of 4 stars; one submission).

Conditions:
Hereditary cancer-predisposing syndrome. Also called: Hereditary Cancer Syndrome; Hereditary neoplastic syndrome; Neoplastic Syndromes, Hereditary; Tumor predisposition. Identifiers: Orphanet 140162, MedGen C0027672, MeSH D009386, MONDO:0015356.

Submission:

Ambry Genetics
Classification: Uncertain significance for Hereditary cancer-predisposing syndrome. Last evaluated: 2021-12-01. Review status: criteria provided, single submitter. Criteria: Ambry Variant Classification Scheme 2023. Collection method: clinical testing. Allele origin: germline.
Comment: The p.D39A variant (also known as c.116A>C), located in coding exon 1 of the DICER1 gene, results from an A to C substitution at nucleotide position 116. The aspartic acid at codon 39 is replaced by alanine, an amino acid with dissimilar properties. This amino acid position is highly conserved in available vertebrate species. In addition, this alteration is predicted to be deleterious by in silico analysis. Since supporting evidence is limited at this time, the clinical significance of this alteration remains unclear.